The following is an entry in ClinVar:

NM_000593.6(TAP1):c.394C>A (p.His132Asn)

Gene: TAP1 (transporter 1, ATP binding cassette subfamily B member; minus strand). Cytogenetic location: 6p21.32.
Variant type: single nucleotide variant.
Coding change: c.394C>A on transcript NM_000593.6 (MANE Select); coding-DNA position 394, C replaced by A.
Protein change: p.His132Asn; replaces histidine 132 with asparagine.
Molecular consequence: missense variant.
Genome position (GRCh38, 1-based): chr6:32,853,243, G>T on the plus strand (C>A on the coding strand, the complement: TAP1 is on the minus strand). VCF-style: chr6-32853243-G-T. GRCh37 (hg19) VCF-style: chr6-32821020-G-T.
Other names: short protein forms H132N.
Identifiers: ClinVar variation 1003137 (VCV001003137.9), dbSNP rs747398174, ClinGen allele CA363582348.

ClinVar aggregate classification (germline): Uncertain significance (1 of 4 stars; one submission).

Conditions:
MHC class I deficiency. Identifiers: Orphanet 34592, MedGen C6024714, MONDO:0011476.

Submission:

Labcorp Genetics (formerly Invitae), Labcorp
Classification: Uncertain significance for MHC class I deficiency 1. Last evaluated: 2020-01-15. Review status: criteria provided, single submitter. Criteria: Invitae Variant Classification Sherloc (09022015). Collection method: clinical testing. Allele origin: germline.
Comment: In summary, the available evidence is currently insufficient to determine the role of this variant in disease. Therefore, it has been classified as a Variant of Uncertain Significance. Algorithms developed to predict the effect of missense changes on protein structure and function (SIFT, PolyPhen-2, Align-GVGD) all suggest that this variant is likely to be tolerated, but these predictions have not been confirmed by published functional studies and their clinical significance is uncertain. This variant has not been reported in the literature in individuals with TAP1-related conditions. This variant is not present in population databases (ExAC no frequency). This sequence change replaces histidine with asparagine at codon 192 of the TAP1 protein (p.His192Asn). The histidine residue is moderately conserved and there is a small physicochemical difference between histidine and asparagine.